The following is an entry in ClinVar:

ClinVar aggregate classification (germline): Uncertain significance. Review status: criteria provided, multiple submitters, no conflicts (2 of 4 stars). 4 submissions from 4 submitters: Uncertain significance (4). Last evaluated 2026-09-04.

Conditions:
Tuberous sclerosis 1 (TSC1). Identifiers: Orphanet 805, MedGen C1854465, MONDO:0008612, OMIM 191100.
Hereditary cancer-predisposing syndrome. Also called: Hereditary Cancer Syndrome; Tumor predisposition; Neoplastic Syndromes, Hereditary; Hereditary neoplastic syndrome. Identifiers: Orphanet 140162, MedGen C0027672, MeSH D009386, MONDO:0015356.
Tuberous sclerosis syndrome (TSC). Also called: Tuberous sclerosis; Tuberous Sclerosis Complex. Identifiers: Orphanet 805, MedGen C0041341, MONDO:0001734.

Submissions (4):

Ambry Genetics
Classification: Uncertain significance for Hereditary cancer-predisposing syndrome. Last evaluated: 2026-09-04. Review status: criteria provided, single submitter. Criteria: Ambry Variant Classification Scheme 2023. Collection method: clinical testing. Allele origin: germline.
Comment: The p.D36G variant (also known as c.107A>G) is located in coding exon 2 of the TSC1 gene. The aspartic acid at codon 36 is replaced by glycine, an amino acid with similar properties. This change occurs in the first base pair of coding exon 2. This amino acid position is conserved. In addition, the in silico prediction for this alteration is inconclusive. Based on the available evidence, the clinical significance of this variant remains unclear.

CeGaT Center for Human Genetics Tuebingen
Classification: Uncertain significance. Last evaluated: 2025-08-01. Review status: criteria provided, single submitter. Criteria: CeGaT Center For Human Genetics Tuebingen Variant Classification Criteria Version 2. Collection method: clinical testing. Allele origin: germline. Affected: yes. Observed: 1 variant allele.
Comment: TSC1: PM2, PP2

All of Us Research Program, National Institutes of Health
Classification: Uncertain significance for Tuberous sclerosis syndrome. Last evaluated: 2024-07-29. Review status: criteria provided, single submitter. Criteria: ACMG Guidelines, 2015. Collection method: clinical testing. Allele origin: germline. Inheritance: Autosomal dominant inheritance. Observed: 1 variant allele, 1 heterozygote.
Comment: This missense variant replaces aspartic acid with glycine at codon 36 of the TSC1 protein. Computational prediction suggests that this variant may have deleterious impact on protein structure and function (internally defined REVEL score threshold >= 0.7, PMID: 27666373). To our knowledge, functional studies have not been reported for this variant. This variant has not been reported in individuals affected with TSC1-related disorders in the literature. This variant has not been identified in the general population by the Genome Aggregation Database (gnomAD). The available evidence is insufficient to determine the role of this variant in disease conclusively. Therefore, this variant is classified as a Variant of Uncertain Significance.

This study involves interpretation of variants in research participants for the purpose of population health screening. Participant phenotype was not available at the time of variant classification. Additional details can be found in publication PMID: 35346344, PMCID: PMC8962531

Labcorp Genetics (formerly Invitae), Labcorp
Classification: Uncertain significance for Tuberous sclerosis 1. Last evaluated: 2021-12-15. Review status: criteria provided, single submitter. Criteria: Invitae Variant Classification Sherloc (09022015). Collection method: clinical testing. Allele origin: germline.
Comment: This sequence change replaces aspartic acid, which is acidic and polar, with glycine, which is neutral and non-polar, at codon 36 of the TSC1 protein (p.Asp36Gly). This variant is not present in population databases (gnomAD no frequency). This variant has not been reported in the literature in individuals affected with TSC1-related conditions. Algorithms developed to predict the effect of missense changes on protein structure and function (SIFT, PolyPhen-2, Align-GVGD) all suggest that this variant is likely to be tolerated. In summary, the available evidence is currently insufficient to determine the role of this variant in disease. Therefore, it has been classified as a Variant of Uncertain Significance.

NM_000368.5(TSC1):c.107A>G (p.Asp36Gly)

Gene: TSC1 (TSC complex subunit 1; minus strand). Cytogenetic location: 9q34.13.
Variant type: single nucleotide variant.
Coding change: c.107A>G on transcript NM_000368.5 (MANE Select); coding-DNA position 107, A replaced by G.
Protein change: p.Asp36Gly; replaces aspartic acid 36 with glycine.
Molecular consequence: missense variant. On other transcripts: intron variant (1).
Genome position (GRCh38, 1-based): chr9:132,927,304, T>C on the plus strand (A>G on the coding strand, the complement: TSC1 is on the minus strand). VCF-style: chr9-132927304-T-C. GRCh37 (hg19) VCF-style: chr9-135802691-T-C.
Other names: c.107A>G (NM_000368.4); c.107A>G, p.Asp36Gly (NM_001162426.2, NM_001162427.2); c.-154+1463A>G (NM_001362177.2); short protein forms D36G.
Identifiers: ClinVar variation 1355946 (VCV001355946.16), dbSNP rs148468036, ClinGen allele CA375375239.